The following is an entry in ClinVar:

ClinVar aggregate classification (germline): Uncertain significance. Review status: criteria provided, multiple submitters, no conflicts (2 of 4 stars). 2 submissions from 2 submitters: Uncertain significance (2). Last evaluated 2024-03-25.

Conditions:
Hyperornithinemia-hyperammonemia-homocitrullinuria syndrome (HHHS). Also called: Ornithine translocase deficiency; HHH SYNDROME. Identifiers: Orphanet 415, MedGen C0268540, MONDO:0009393, OMIM 238970.
Inborn genetic diseases. Identifiers: MedGen C0950123, MeSH D030342.

gnomAD v4.1: 1 of 1,614,090 alleles (0.000062%); no homozygotes.

Submissions (2):

Ambry Genetics
Classification: Uncertain significance for Inborn genetic diseases. Last evaluated: 2024-03-25. Review status: criteria provided, single submitter. Criteria: Ambry Variant Classification Scheme 2023. Collection method: clinical testing. Allele origin: germline.

Labcorp Genetics (formerly Invitae), Labcorp
Classification: Uncertain significance for Hyperornithinemia-hyperammonemia-homocitrullinuria syndrome. Last evaluated: 2022-03-31. Review status: criteria provided, single submitter. Criteria: Invitae Variant Classification Sherloc (09022015). Collection method: clinical testing. Allele origin: germline.
Comment: This sequence change replaces isoleucine, which is neutral and non-polar, with threonine, which is neutral and polar, at codon 11 of the SLC25A15 protein (p.Ile11Thr). This variant is not present in population databases (gnomAD no frequency). This variant has not been reported in the literature in individuals affected with SLC25A15-related conditions. ClinVar contains an entry for this variant (Variation ID: 935342). Algorithms developed to predict the effect of missense changes on protein structure and function (SIFT, PolyPhen-2, Align-GVGD) all suggest that this variant is likely to be tolerated. In summary, the available evidence is currently insufficient to determine the role of this variant in disease. Therefore, it has been classified as a Variant of Uncertain Significance.

NM_014252.4(SLC25A15):c.32T>C (p.Ile11Thr)

Gene: SLC25A15 (solute carrier family 25 member 15; plus strand). Cytogenetic location: 13q14.11.
Variant type: single nucleotide variant.
Coding change: c.32T>C on transcript NM_014252.4 (MANE Select); coding-DNA position 32, T replaced by C.
Protein change: p.Ile11Thr; replaces isoleucine 11 with threonine.
Molecular consequence: missense variant.
Genome position (GRCh38, 1-based): chr13:40,793,258, T>C. VCF-style: chr13-40793258-T-C. GRCh37 (hg19) VCF-style: chr13-41367394-T-C.
Other names: short protein forms I11T.
Identifiers: ClinVar variation 935342 (VCV000935342.7), dbSNP rs1279446692, ClinGen allele CA387916273.